The following is an entry in ClinVar:

NM_000255.4(MMUT):c.1480T>A (p.Leu494Met)

Gene: MMUT (methylmalonyl-CoA mutase; minus strand). Cytogenetic location: 6p12.3.
Variant type: single nucleotide variant.
Coding change: c.1480T>A on transcript NM_000255.4 (MANE Select); coding-DNA position 1480, T replaced by A.
Protein change: p.Leu494Met; replaces leucine 494 with methionine.
Molecular consequence: missense variant.
Genome position (GRCh38, 1-based): chr6:49,447,750, A>T on the plus strand (T>A on the coding strand, the complement: MMUT is on the minus strand). VCF-style: chr6-49447750-A-T. GRCh37 (hg19) VCF-style: chr6-49415463-A-T.
Other names: c.1480T>A (NM_000255.3); short protein forms L494M.
Identifiers: ClinVar variation 2147548 (VCV002147548.3), dbSNP rs754123075, ClinGen allele CA3846865.

ClinVar aggregate classification (germline): Uncertain significance. Review status: criteria provided, multiple submitters, no conflicts (2 of 4 stars). 3 submissions from 3 submitters: Uncertain significance (2). 1 of the submissions does not count toward it. Last evaluated 2023-11-21.

Conditions:
MMUT-related disorder. Also called: MMUT-related condition.

gnomAD v4.1: 47 of 1,611,718 alleles (0.0029%); highest among the groups gnomAD compares: South Asian, 0.0055%; no homozygotes.

Submissions (3):

Ambry Genetics
Classification: Uncertain significance. Last evaluated: 2023-11-21. Review status: criteria provided, single submitter. Criteria: Ambry Variant Classification Scheme 2023. Collection method: clinical testing. Allele origin: germline.

Labcorp Genetics (formerly Invitae), Labcorp
Classification: Uncertain significance. Last evaluated: 2022-06-18. Review status: criteria provided, single submitter. Criteria: Invitae Variant Classification Sherloc (09022015). Collection method: clinical testing. Allele origin: germline.
Comment: This sequence change replaces leucine, which is neutral and non-polar, with methionine, which is neutral and non-polar, at codon 494 of the MUT protein (p.Leu494Met). This variant is present in population databases (rs754123075, gnomAD 0.02%). This variant has not been reported in the literature in individuals affected with MUT-related conditions. Algorithms developed to predict the effect of missense changes on protein structure and function are either unavailable or do not agree on the potential impact of this missense change (SIFT: "Deleterious"; PolyPhen-2: "Probably Damaging"; Align-GVGD: "Class C0"). In summary, the available evidence is currently insufficient to determine the role of this variant in disease. Therefore, it has been classified as a Variant of Uncertain Significance.

PreventionGenetics, part of Exact Sciences
Classification: Uncertain significance for MMUT-related condition. Last evaluated: 2024-03-26. Review status: no assertion criteria provided. Collection method: clinical testing. Allele origin: germline. Not counted in ClinVar's aggregate classification.
Comment: The MMUT c.1480T>A variant is predicted to result in the amino acid substitution p.Leu494Met. To our knowledge, this variant has not been reported in the literature. This variant is reported in 0.019% of alleles in individuals of Ashkenazi Jewish descent in gnomAD. At this time, the clinical significance of this variant is uncertain due to the absence of conclusive functional and genetic evidence.